The following is an entry in ClinVar:

NM_001365276.2(TNXB):c.977G>A (p.Cys326Tyr)

Gene: TNXB (tenascin XB; minus strand). Cytogenetic location: 6p21.33.
Variant type: single nucleotide variant.
Coding change: c.977G>A on transcript NM_001365276.2 (MANE Select); coding-DNA position 977, G replaced by A.
Protein change: p.Cys326Tyr; replaces cysteine 326 with tyrosine.
Molecular consequence: missense variant.
Genome position (GRCh38, 1-based): chr6:32,096,876, C>T on the plus strand (G>A on the coding strand, the complement: TNXB is on the minus strand). VCF-style: chr6-32096876-C-T. GRCh37 (hg19) VCF-style: chr6-32064653-C-T.
Other names: c.977G>A, p.Cys326Tyr (NM_001428335.1, NM_019105.8); short protein forms C326Y.
Identifiers: ClinVar variation 4534577 (VCV004534577.6).
Genomic context (GRCh38, chr6:32,096,876, plus strand): 5'-CAGTCCCAGGGGCAGCTCCGCGTACCACAGTCCTCGCCAGTGTAGCCGGGGTCACACACG[C>T]AGCGCCCGTCCTTGCAGCGTCCCCGCTGGCTGCAGCCCCGAGGGCAGCTCCTCACCCCAC-3'
Protein context (NP_001352205.1, residues 316-336): SQRGRCKDGR[Cys326Tyr]VCDPGYTGED

ClinVar aggregate classification (germline): Uncertain significance (1 of 4 stars; one submission).

Submission:

CeGaT Center for Human Genetics Tuebingen
Classification: Uncertain significance. Last evaluated: 2025-11-01. Review status: criteria provided, single submitter. Criteria: CeGaT Center For Human Genetics Tuebingen Variant Classification Criteria Version 2. Collection method: clinical testing. Allele origin: germline. Affected: yes. Observed: 1 variant allele.
Comment: TNXB: PM2, PP3